The following is an entry in ClinVar:

ClinVar aggregate classification (germline): Uncertain significance (1 of 4 stars; one submission).

Submission:

GeneDx
Classification: Uncertain significance. Last evaluated: 2024-11-25. Review status: criteria provided, single submitter. Criteria: GeneDx Variant Classification Process June 2021. Collection method: clinical testing. Allele origin: germline. Affected: yes.
Comment: Not observed at significant frequency in large population cohorts (gnomAD); In silico analysis indicates that this missense variant does not alter protein structure/function; Has not been previously published as pathogenic or benign to our knowledge.

NM_172362.3(KCNH1):c.1240C>G (p.Arg414Gly)

Gene: KCNH1 (potassium voltage-gated channel subfamily H member 1; minus strand). Cytogenetic location: 1q32.2.
Variant type: single nucleotide variant.
Coding change: c.1240C>G on transcript NM_172362.3 (MANE Select); coding-DNA position 1240, C replaced by G.
Protein change: p.Arg414Gly; replaces arginine 414 with glycine.
Molecular consequence: missense variant.
Genome position (GRCh38, 1-based): chr1:210,919,862, G>C on the plus strand (C>G on the coding strand, the complement: KCNH1 is on the minus strand). VCF-style: chr1-210919862-G-C. GRCh37 (hg19) VCF-style: chr1-211093204-G-C.
Other names: c.1159C>G, p.Arg387Gly (NM_002238.4); short protein forms R387G, R414G.
Identifiers: ClinVar variation 3900125 (VCV003900125.1).